The following is an entry in ClinVar:

NM_020693.4(DSCAML1):c.4432+3G>A

Gene: DSCAML1 (DS cell adhesion molecule like 1; minus strand). Cytogenetic location: 11q23.3.
Variant type: single nucleotide variant.
Coding change: c.4432+3G>A on transcript NM_020693.4 (MANE Select); 3 bases into the intron after coding-DNA position 4432, G replaced by A.
Molecular consequence: intron variant.
Genome position (GRCh38, 1-based): chr11:117,437,892, C>T on the plus strand (G>A on the coding strand, the complement: DSCAML1 is on the minus strand). VCF-style: chr11-117437892-C-T. GRCh37 (hg19) VCF-style: chr11-117308608-C-T.
Identifiers: ClinVar variation 4754952 (VCV004754952.1).

ClinVar aggregate classification (germline): Uncertain significance (1 of 4 stars; one submission).

Submission:

Labcorp Genetics (formerly Invitae), Labcorp
Classification: Uncertain significance. Last evaluated: 2025-10-22. Review status: criteria provided, single submitter. Criteria: Invitae Variant Classification Sherloc (09022015). Collection method: clinical testing. Allele origin: germline.
Comment: This sequence change falls in intron 25 of the DSCAML1 gene. It does not directly change the encoded amino acid sequence of the DSCAML1 protein. It affects a nucleotide within the consensus splice site. This variant is not present in population databases (gnomAD no frequency). This variant has not been reported in the literature in individuals affected with DSCAML1-related conditions. Variants that disrupt the consensus splice site are a relatively common cause of aberrant splicing (PMID: 17576681, 9536098). Algorithms developed to predict the effect of sequence changes on RNA splicing suggest that this variant is not likely to affect RNA splicing. In summary, the available evidence is currently insufficient to determine the role of this variant in disease. Therefore, it has been classified as a Variant of Uncertain Significance.

Literature cited by the submitters: PubMed 17576681; PubMed 9536098.